The following is an entry in ClinVar:

ClinVar aggregate classification (germline): Benign/Likely benign. Review status: criteria provided, multiple submitters, no conflicts (2 of 4 stars). 6 submissions from 6 submitters: Benign (1); Likely benign (5). Last evaluated 2025-06-19.

Conditions:
Hereditary cancer-predisposing syndrome. Also called: Tumor predisposition; Neoplastic Syndromes, Hereditary; Hereditary Cancer Syndrome; Hereditary neoplastic syndrome. Identifiers: Orphanet 140162, MedGen C0027672, MeSH D009386, MONDO:0015356.
Familial cancer of breast. Also called: hereditary breast carcinoma; Hereditary breast cancer; BREAST CANCER, FAMILIAL. Identifiers: Orphanet 227535, MedGen C0346153, MONDO:0016419, OMIM 114480. Disease mechanism: loss of function.
Ataxia-telangiectasia syndrome (AT). Also called: Ataxia telangiectasia (A-T); Cerebello-oculocutaneous telangiectasia; Immunodeficiency with ataxia telangiectasia; ATAXIA-TELANGIECTASIA, COMPLEMENTATION GROUP A; ATAXIA-TELANGIECTASIA, FRESNO VARIANT; Ataxia-telangiectasia. Identifiers: Orphanet 100, MedGen C0004135, MONDO:0008840, OMIM 208900.

Allele frequency attached by ClinVar (database versions not stated): TOPMed below 0.00001; gnomAD 0.00001.
gnomAD v4.1: 6 of 1,602,862 alleles (0.00037%); highest among the groups gnomAD compares: Non-Finnish European, 0.00051%; no homozygotes.

Submissions (6):

Labcorp Genetics (formerly Invitae), Labcorp
Classification: Likely benign for Ataxia-telangiectasia syndrome. Last evaluated: 2025-06-19. Review status: criteria provided, single submitter. Criteria: Invitae Variant Classification Sherloc (09022015). Collection method: clinical testing. Allele origin: germline.

Blueprint Genetics
Classification: Likely benign. Last evaluated: 2024-09-05. Review status: criteria provided, single submitter. Criteria: ACMG Guidelines, 2015. Collection method: clinical testing. Allele origin: germline.

Myriad Genetics, Inc.
Classification: Benign for Familial cancer of breast. Last evaluated: 2024-05-20. Review status: criteria provided, single submitter. Criteria: Myriad Autosomal Dominant, Autosomal Recessive and X-Linked Classification Criteria (2023). Collection method: clinical testing. Allele origin: unknown.
Comment: This variant is considered benign. This variant is a silent/synonymous amino acid change and it is not expected to impact splicing.

GeneDx
Classification: Likely benign. Last evaluated: 2021-05-11. Review status: criteria provided, single submitter. Criteria: GeneDx Variant Classification Process June 2021. Collection method: clinical testing. Allele origin: germline. Affected: yes.

Color Diagnostics, LLC DBA Color Health
Classification: Likely benign for Hereditary cancer-predisposing syndrome. Last evaluated: 2017-11-02. Review status: criteria provided, single submitter. Criteria: ACMG Guidelines, 2015. Collection method: clinical testing. Allele origin: germline.

Ambry Genetics
Classification: Likely benign for Hereditary cancer-predisposing syndrome. Last evaluated: 2015-02-17. Review status: criteria provided, single submitter. Criteria: Ambry Variant Classification Scheme 2023. Collection method: clinical testing. Allele origin: germline.

NM_000051.4(ATM):c.4677T>A (p.Ile1559=)

Gene: ATM (ATM serine/threonine kinase; plus strand). Cytogenetic location: 11q22.3.
Variant type: single nucleotide variant.
Coding change: c.4677T>A on transcript NM_000051.4 (MANE Select); coding-DNA position 4677, T replaced by A.
Protein change: p.Ile1559=; no amino-acid change (isoleucine 1559 retained).
Molecular consequence: synonymous variant.
Genome position (GRCh38, 1-based): chr11:108,293,378, T>A. VCF-style: chr11-108293378-T-A. GRCh37 (hg19) VCF-style: chr11-108164105-T-A.
Other names: c.4677T>A, p.Ile1559= (NM_001351834.2).
Identifiers: ClinVar variation 220188 (VCV000220188.20), dbSNP rs759660081, ClinGen allele CA349225.